The following is an entry in ClinVar:

NM_025137.4(SPG11):c.65T>C (p.Met22Thr)

Gene: SPG11 (SPG11 vesicle trafficking associated, spatacsin; minus strand). Cytogenetic location: 15q21.1.
Variant type: single nucleotide variant.
Coding change: c.65T>C on transcript NM_025137.4 (MANE Select); coding-DNA position 65, T replaced by C.
Protein change: p.Met22Thr; replaces methionine 22 with threonine.
Molecular consequence: missense variant.
Genome position (GRCh38, 1-based): chr15:44,663,583, A>G on the plus strand (T>C on the coding strand, the complement: SPG11 is on the minus strand). VCF-style: chr15-44663583-A-G. GRCh37 (hg19) VCF-style: chr15-44955781-A-G.
Other names: c.65T>C, p.Met22Thr (NM_001160227.2); short protein forms M22T.
Identifiers: ClinVar variation 1486055 (VCV001486055.4), dbSNP rs779434840, ClinGen allele CA7535960.

ClinVar aggregate classification (germline): Uncertain significance (1 of 4 stars; one submission).

Conditions:
Hereditary spastic paraplegia 11. Also called: Nakamura Osame syndrome; Autosomal recessive hereditary spastic paraplegia, mental impairment, and thin corpus callosum; SPASTIC PARAPLEGIA, AUTOSOMAL RECESSIVE, COMPLICATED, WITH THIN CORPUS CALLOSUM; SPASTIC PARAPLEGIA, AUTOSOMAL RECESSIVE, WITH MENTAL IMPAIRMENT AND THIN CORPUS CALLOSUM; Spastic paraplegia, mental retardation and thin corpus callosum; Spastic Paraplegia 11. Identifiers: Orphanet 2822, MedGen C1858479, MONDO:0011445, OMIM 604360.

gnomAD v4.1: 3 of 1,596,938 alleles (0.00019%); highest among the groups gnomAD compares: South Asian, 0.0011%; no homozygotes.

Submission:

Labcorp Genetics (formerly Invitae), Labcorp
Classification: Uncertain significance for Hereditary spastic paraplegia 11. Last evaluated: 2021-12-18. Review status: criteria provided, single submitter. Criteria: Invitae Variant Classification Sherloc (09022015). Collection method: clinical testing. Allele origin: germline.
Comment: In summary, the available evidence is currently insufficient to determine the role of this variant in disease. Therefore, it has been classified as a Variant of Uncertain Significance. Algorithms developed to predict the effect of missense changes on protein structure and function output the following: SIFT: "Tolerated"; PolyPhen-2: "Not Available"; Align-GVGD: "Class C0". The threonine amino acid residue is found in multiple mammalian species, which suggests that this missense change does not adversely affect protein function. This variant has not been reported in the literature in individuals affected with SPG11-related conditions. This variant is present in population databases (rs779434840, gnomAD 0.004%). This sequence change replaces methionine, which is neutral and non-polar, with threonine, which is neutral and polar, at codon 22 of the SPG11 protein (p.Met22Thr).